The following is an entry in ClinVar:

ClinVar aggregate classification (germline): Uncertain significance (1 of 4 stars; one submission).

Conditions:
Long QT syndrome (LQTS). Identifiers: MedGen C0023976, MeSH D008133, MONDO:0002442. Disease mechanism: loss of function. Inheritance: Various modes of inheritance.

Submission:

Labcorp Genetics (formerly Invitae), Labcorp
Classification: Uncertain significance for Long QT syndrome. Last evaluated: 2023-08-19. Review status: criteria provided, single submitter. Criteria: Invitae Variant Classification Sherloc (09022015). Collection method: clinical testing. Allele origin: germline.
Comment: In summary, the available evidence is currently insufficient to determine the role of this variant in disease. Therefore, it has been classified as a Variant of Uncertain Significance. Advanced modeling of protein sequence and biophysical properties (such as structural, functional, and spatial information, amino acid conservation, physicochemical variation, residue mobility, and thermodynamic stability) performed at Invitae indicates that this missense variant is not expected to disrupt CACNA1C protein function. This variant has not been reported in the literature in individuals affected with CACNA1C-related conditions. This variant is not present in population databases (gnomAD no frequency). This sequence change replaces serine, which is neutral and polar, with glycine, which is neutral and non-polar, at codon 1438 of the CACNA1C protein (p.Ser1438Gly).

NM_000719.7(CACNA1C):c.4312A>G (p.Ser1438Gly)

Gene: CACNA1C (calcium voltage-gated channel subunit alpha1 C; plus strand). Cytogenetic location: 12p13.33.
Variant type: single nucleotide variant.
Coding change: c.4312A>G on transcript NM_000719.7 (MANE Select); coding-DNA position 4312, A replaced by G.
Protein change: p.Ser1438Gly; replaces serine 1438 with glycine.
Molecular consequence: missense variant.
Genome position (GRCh38, 1-based): chr12:2,664,904, A>G. VCF-style: chr12-2664904-A-G. GRCh37 (hg19) VCF-style: chr12-2774070-A-G.
Other names: c.4312A>G, p.Ser1438Gly (NM_001129830.3, NM_001129833.2, NM_001129834.2 and 7 more transcripts); c.4396A>G, p.Ser1466Gly (NM_001129831.2); c.4372A>G, p.Ser1458Gly (NM_001129832.2); c.4363A>G, p.Ser1455Gly (NM_001129836.2); c.4279A>G, p.Ser1427Gly (NM_001129837.2, NM_001129838.2, NM_001129846.2 and 1 more transcripts); c.4273A>G, p.Ser1425Gly (NM_001129839.2); c.4303A>G, p.Ser1435Gly (NM_001129844.2); c.4456A>G, p.Ser1486Gly (NM_199460.4, NM_001129827.2); and 1 more; short protein forms S1425G, S1438G, S1458G, S1466G, S1435G, S1427G, S1455G, S1460G.
Identifiers: ClinVar variation 3003164 (VCV003003164.3), dbSNP rs2529634717, ClinGen allele CA383375878.